The following is an entry in ClinVar:

NM_002282.3(KRT83):c.1041+5C>T

Gene: KRT83 (keratin 83; minus strand). Cytogenetic location: 12q13.13.
Variant type: single nucleotide variant.
Coding change: c.1041+5C>T on transcript NM_002282.3 (MANE Select); 5 bases into the intron after coding-DNA position 1041, C replaced by T.
Molecular consequence: intron variant.
Genome position (GRCh38, 1-based): chr12:52,316,463, G>A on the plus strand (C>T on the coding strand, the complement: KRT83 is on the minus strand). VCF-style: chr12-52316463-G-A. GRCh37 (hg19) VCF-style: chr12-52710247-G-A.
Identifiers: ClinVar variation 309507 (VCV000309507.5), dbSNP rs377435485, ClinGen allele CA6577423.
Genomic context (GRCh38, chr12:52,316,463, plus strand): 5'-AATCCCTCTGCCGAGGGCTAACCCCAGTCTCTTCCTACACTGAGGGGTGGGCCGGGCTCT[G>A]GTACCTGGCACTTGGCATTCTCCACCTCGGCTGTCAGCCTCTGGATCATGCGGTTCAGCT-3'

ClinVar aggregate classification (germline): Benign (1 of 4 stars; one submission).

Conditions:
Monilethrix. Also called: Beaded hair. Identifiers: Orphanet 573, MedGen C0546966, MONDO:0008009, HP:0032470.

Allele frequency attached by ClinVar (database versions not stated): gnomAD exomes 0.00002; ESP Exome Variant Server 0.00008; ExAC 0.00002; gnomAD 0.00006; TOPMed 0.00002.
gnomAD v4.1: 43 of 1,613,878 alleles (0.0027%); highest among the groups gnomAD compares: Middle Eastern, 0.016%; no homozygotes.

Submission:

Illumina Laboratory Services, Illumina
Classification: Benign for MONILETHRIX 1. Last evaluated: 2018-01-13. Review status: criteria provided, single submitter. Criteria: ICSL Variant Classification Criteria 13 December 2019. Collection method: clinical testing. Allele origin: germline.
Comment: This variant was observed in the ICSL laboratory as part of a predisposition screen in an ostensibly healthy population. It had not been previously curated by ICSL or reported in the Human Gene Mutation Database (HGMD: prior to June 1st, 2018), and was therefore a candidate for classification through an automated scoring system. Utilizing variant allele frequency, disease prevalence and penetrance estimates, and inheritance mode, an automated score was calculated to assess if this variant is too frequent to cause the disease. Based on the score and internal cut-off values, a variant classified as benign is not then subjected to further curation. The score for this variant resulted in a classification of benign for this disease.